The following is an entry in ClinVar:

ClinVar aggregate classification (germline): Uncertain significance (1 of 4 stars; one submission).

Conditions:
Retinitis pigmentosa 4 (RP4). Also called: RETINITIS PIGMENTOSA, RHODOPSIN-RELATED. Identifiers: Orphanet 791, MedGen C3151001, MONDO:0013395, OMIM 613731.

Submission:

3billion
Classification: Uncertain significance for Retinitis pigmentosa 4. Last evaluated: 2024-08-05. Review status: criteria provided, single submitter. Criteria: ACMG Guidelines, 2015. Collection method: clinical testing. Allele origin: germline. Affected: yes.
Comment: The variant is not observed in the gnomAD v4.0.0 dataset. Predicted Consequence/Location: Frameshift: predicted to result in a loss or disruption of normal protein function through protein truncation. The predicted truncated protein may be shortened by less than 10%. Therefore, this variant is classified as VUS according to the recommendation of ACMG/AMP guideline.

NM_000539.3(RHO):c.997del (p.Ala333fs)

Gene: RHO (rhodopsin; plus strand). Cytogenetic location: 3q22.1.
Variant type: Deletion.
Coding change: c.997del on transcript NM_000539.3 (MANE Select); coding-DNA position 997, one base deleted (G; older notation c.997delG).
Protein change: p.Ala333fs; shifts the reading frame from alanine 333.
Molecular consequence: frameshift variant.
Genome position (GRCh38, 1-based): chr3:129,533,668, G deleted; the last of 2 consecutive G bases (chr3:129,533,667-129,533,668); deleting either gives the same sequence. VCF-style (leftmost placement, unchanged base first): chr3-129533666-AG-A. GRCh37 (hg19) VCF-style: chr3-129252509-AG-A.
Other names: short protein forms A333fs.
Identifiers: ClinVar variation 4293922 (VCV004293922.1).